The following is an entry in ClinVar:

NM_015338.6(ASXL1):c.152C>T (p.Ser51Phe)

Gene: ASXL1 (ASXL transcriptional regulator 1; plus strand). Cytogenetic location: 20q11.21.
Variant type: single nucleotide variant.
Coding change: c.152C>T on transcript NM_015338.6 (MANE Select); coding-DNA position 152, C replaced by T.
Protein change: p.Ser51Phe; replaces serine 51 with phenylalanine.
Molecular consequence: missense variant.
Genome position (GRCh38, 1-based): chr20:32,369,023, C>T. VCF-style: chr20-32369023-C-T. GRCh37 (hg19) VCF-style: chr20-30956826-C-T.
Other names: c.152C>T, p.Ser51Phe (NM_001164603.1); c.122C>T, p.Ser41Phe (NM_001363734.1); short protein forms S51F, S41F.
Identifiers: ClinVar variation 3793399 (VCV003793399.2).
Genomic context (GRCh38, chr20:32,369,023, plus strand): 5'-AAGTAGGCAGATGGATTGTATAACCCTCATCCATTCTTTTGTGGTTTTACAGTGGGACTT[C>T]CCCTCTCGCATGCCTCAATGCTATGCTACATTCCAATTCAAGAGGAGGAGAGGGGTTGTT-3'
Protein context (NP_056153.2, residues 41-61): EGLKEMRSGT[Ser51Phe]PLACLNAMLH

ClinVar aggregate classification (germline): Uncertain significance. Review status: criteria provided, multiple submitters, no conflicts (2 of 4 stars). 2 submissions from 2 submitters: Uncertain significance (2). Last evaluated 2025-08-15.

Conditions:
Inborn genetic diseases. Identifiers: MedGen C0950123, MeSH D030342.

Submissions (2):

Labcorp Genetics (formerly Invitae), Labcorp
Classification: Uncertain significance. Last evaluated: 2025-08-15. Review status: criteria provided, single submitter. Criteria: Invitae Variant Classification Sherloc (09022015). Collection method: clinical testing. Allele origin: germline.
Comment: This sequence change replaces serine, which is neutral and polar, with phenylalanine, which is neutral and non-polar, at codon 51 of the ASXL1 protein (p.Ser51Phe). This variant is not present in population databases (gnomAD no frequency). This variant has not been reported in the literature in individuals affected with ASXL1-related conditions. ClinVar contains an entry for this variant (Variation ID: 3793399). An algorithm developed to predict the effect of missense changes on protein structure and function (PolyPhen-2) suggests that this variant is likely to be disruptive. In summary, the available evidence is currently insufficient to determine the role of this variant in disease. Therefore, it has been classified as a Variant of Uncertain Significance.

Ambry Genetics
Classification: Uncertain significance for Inborn genetic diseases. Last evaluated: 2025-02-09. Review status: criteria provided, single submitter. Criteria: Ambry Variant Classification Scheme 2023. Collection method: clinical testing. Allele origin: germline.
Comment: The p.S51F variant (also known as c.152C>T), located in coding exon 4 of the ASXL1 gene, results from a C to T substitution at nucleotide position 152. The serine at codon 51 is replaced by phenylalanine, an amino acid with highly dissimilar properties. This amino acid position is conserved. In addition, the in silico prediction for this alteration is inconclusive. Based on the available evidence, the clinical significance of this variant remains unclear.